The following is an entry in ClinVar:

ClinVar aggregate classification (germline): Uncertain significance. Review status: criteria provided, multiple submitters, no conflicts (2 of 4 stars). 2 submissions from 2 submitters: Uncertain significance (2). Last evaluated 2025-08-15.

Conditions:
Inborn genetic diseases. Identifiers: MedGen C0950123, MeSH D030342.

Allele frequency attached by ClinVar (database versions not stated): ExAC 0.00001; gnomAD 0.00001; TOPMed 0.00001.
gnomAD v4.1: 49 of 1,610,702 alleles (0.003%); highest among the groups gnomAD compares: South Asian, 0.0044%; no homozygotes.

Submissions (2):

Ambry Genetics
Classification: Uncertain significance for Inborn genetic diseases. Last evaluated: 2025-08-15. Review status: criteria provided, single submitter. Criteria: Ambry Variant Classification Scheme 2023. Collection method: clinical testing. Allele origin: germline.

Labcorp Genetics (formerly Invitae), Labcorp
Classification: Uncertain significance. Last evaluated: 2023-09-30. Review status: criteria provided, single submitter. Criteria: Invitae Variant Classification Sherloc (09022015). Collection method: clinical testing. Allele origin: germline.
Comment: In summary, the available evidence is currently insufficient to determine the role of this variant in disease. Therefore, it has been classified as a Variant of Uncertain Significance. Algorithms developed to predict the effect of missense changes on protein structure and function output the following: SIFT: "Not Available"; PolyPhen-2: "Not Available"; Align-GVGD: "Not Available". The arginine amino acid residue is found in multiple mammalian species, which suggests that this missense change does not adversely affect protein function. ClinVar contains an entry for this variant (Variation ID: 1921795). This variant has not been reported in the literature in individuals affected with KMT2B-related conditions. This variant is present in population databases (rs746188688, gnomAD 0.003%). This sequence change replaces glycine, which is neutral and non-polar, with arginine, which is basic and polar, at codon 831 of the KMT2B protein (p.Gly831Arg).

NM_014727.3(KMT2B):c.2491G>A (p.Gly831Arg)

Gene: KMT2B (lysine methyltransferase 2B; plus strand). Cytogenetic location: 19q13.12.
Variant type: single nucleotide variant.
Coding change: c.2491G>A on transcript NM_014727.3 (MANE Select); coding-DNA position 2491, G replaced by A.
Protein change: p.Gly831Arg; replaces glycine 831 with arginine.
Molecular consequence: missense variant.
Genome position (GRCh38, 1-based): chr19:35,722,392, G>A. VCF-style: chr19-35722392-G-A. GRCh37 (hg19) VCF-style: chr19-36213294-G-A.
Other names: c.2491G>A (NM_014727.1); short protein forms G831R.
Identifiers: ClinVar variation 1921795 (VCV001921795.6), dbSNP rs746188688, ClinGen allele CA9384470.